The following is an entry in ClinVar:

NM_002878.4(RAD51D):c.-34A>G

Genes: RAD51D (RAD51 paralog D; minus strand), RAD51L3-RFFL (RAD51L3-RFFL readthrough; minus strand). Cytogenetic location: 17q12.
Variant type: single nucleotide variant.
Coding change: c.-34A>G on transcript NM_002878.4 (MANE Select); 34 bases upstream of the start codon, A replaced by G.
Molecular consequence: 5 prime UTR variant. On other transcripts: non-coding transcript variant (2).
Genome position (GRCh38, 1-based): chr17:35,119,647, T>C on the plus strand (A>G on the coding strand, the complement: RAD51D is on the minus strand). VCF-style: chr17-35119647-T-C. GRCh37 (hg19) VCF-style: chr17-33446666-T-C.
Other names: c.-34A>G (NM_001142571.2, NM_133629.3).
Identifiers: ClinVar variation 378461 (VCV000378461.1), dbSNP rs372716334, ClinGen allele CA8499718.

ClinVar aggregate classification (germline): Likely benign (1 of 4 stars; one submission).

Allele frequency attached by ClinVar (database versions not stated): ExAC 0.00001; gnomAD 0.00001; gnomAD exomes 0.00001 and 0.00002; TOPMed 0.00001; ESP Exome Variant Server 0.00008.

Submission:

GeneDx
Classification: Likely benign. Last evaluated: 2016-12-08. Review status: criteria provided, single submitter. Criteria: GeneDx Variant Classification (06012015). Collection method: clinical testing. Allele origin: germline. Affected: yes.
Comment: This variant is considered likely benign or benign based on one or more of the following criteria: it is a conservative change, it occurs at a poorly conserved position in the protein, it is predicted to be benign by multiple in silico algorithms, and/or has population frequency not consistent with disease.